The following is an entry in ClinVar:

ClinVar aggregate classification (germline): Uncertain significance (1 of 4 stars; one submission).

Submission:

Labcorp Genetics (formerly Invitae), Labcorp
Classification: Uncertain significance. Last evaluated: 2024-07-04. Review status: criteria provided, single submitter. Criteria: Invitae Variant Classification Sherloc (09022015). Collection method: clinical testing. Allele origin: germline.
Comment: This sequence change replaces histidine, which is basic and polar, with arginine, which is basic and polar, at codon 379 of the AHDC1 protein (p.His379Arg). This variant is not present in population databases (gnomAD no frequency). This variant has not been reported in the literature in individuals affected with AHDC1-related conditions. An algorithm developed to predict the effect of missense changes on protein structure and function (PolyPhen-2) suggests that this variant is likely to be tolerated. In summary, the available evidence is currently insufficient to determine the role of this variant in disease. Therefore, it has been classified as a Variant of Uncertain Significance.

NM_001371928.1(AHDC1):c.1136A>G (p.His379Arg)

Gene: AHDC1 (AT-hook DNA binding motif containing 1; minus strand). Cytogenetic location: 1p36.11.
Variant type: single nucleotide variant.
Coding change: c.1136A>G on transcript NM_001371928.1 (MANE Select); coding-DNA position 1136, A replaced by G.
Protein change: p.His379Arg; replaces histidine 379 with arginine.
Molecular consequence: missense variant.
Genome position (GRCh38, 1-based): chr1:27,550,980, T>C on the plus strand (A>G on the coding strand, the complement: AHDC1 is on the minus strand). VCF-style: chr1-27550980-T-C. GRCh37 (hg19) VCF-style: chr1-27877491-T-C.
Other names: c.1136A>G, p.His379Arg (NM_001029882.3); short protein forms H379R.
Identifiers: ClinVar variation 3658623 (VCV003658623.2).